The following is an entry in ClinVar:

ClinVar aggregate classification (germline): Uncertain significance (1 of 4 stars; one submission).

Conditions:
NRP1-related disorder. Also called: NRP1-related condition.

Allele frequency attached by ClinVar (database versions not stated): TOPMed 0.00003; gnomAD 0.00004; ExAC 0.00005.

Submission:

PreventionGenetics, part of Exact Sciences
Classification: Uncertain significance for NRP1-related condition. Last evaluated: 2025-01-15. Review status: criteria provided, single submitter. Criteria: ACMG Guidelines, 2015. Collection method: clinical testing. Allele origin: germline.
Comment: The NRP1 c.1000C>T variant is predicted to result in the amino acid substitution p.Arg334Cys. To our knowledge, this variant has not been reported in the literature. This variant is reported in 0.016% of alleles in individuals of South Asian descent in gnomAD. At this time, the clinical significance of this variant is uncertain due to the absence of conclusive functional and genetic evidence.

NM_003873.7(NRP1):c.1000C>T (p.Arg334Cys)

Gene: NRP1 (neuropilin 1; minus strand). Cytogenetic location: 10p11.22.
Variant type: single nucleotide variant.
Coding change: c.1000C>T on transcript NM_003873.7 (MANE Select); coding-DNA position 1000, C replaced by T.
Protein change: p.Arg334Cys; replaces arginine 334 with cysteine.
Molecular consequence: missense variant. On other transcripts: non-coding transcript variant (1).
Genome position (GRCh38, 1-based): chr10:33,226,271, G>A on the plus strand (C>T on the coding strand, the complement: NRP1 is on the minus strand). VCF-style: chr10-33226271-G-A. GRCh37 (hg19) VCF-style: chr10-33515199-G-A.
Other names: c.1000C>T, p.Arg334Cys (NM_001024628.3, NM_001024629.3, NM_001244972.2 and 2 more transcripts); short protein forms R334C.
Identifiers: ClinVar variation 2636117 (VCV002636117.4), dbSNP rs747418517, ClinGen allele CA5466765.